The following is an entry in ClinVar:

NM_001134831.2(AHI1):c.1742C>A (p.Ser581Ter)

Gene: AHI1 (Abelson helper integration site 1; minus strand). Cytogenetic location: 6q23.3.
Variant type: single nucleotide variant.
Coding change: c.1742C>A on transcript NM_001134831.2 (MANE Select); coding-DNA position 1742, C replaced by A.
Protein change: p.Ser581Ter; replaces serine 581 with a stop codon.
Molecular consequence: nonsense.
Genome position (GRCh38, 1-based): chr6:135,447,045, G>T on the plus strand (C>A on the coding strand, the complement: AHI1 is on the minus strand). VCF-style: chr6-135447045-G-T. GRCh37 (hg19) VCF-style: chr6-135768183-G-T.
Other names: c.1742C>A, p.Ser581Ter (NM_001134830.2, NM_001134832.2, NM_001350503.2 and 2 more transcripts); short protein forms S581*.
Identifiers: ClinVar variation 5015077 (VCV005015077.1).

ClinVar aggregate classification (germline): Pathogenic (1 of 4 stars; one submission).

Conditions:
Joubert syndrome 3 (JBTS3). Also called: AHI1-related Ciliopathy. Identifiers: Orphanet 220493, MedGen C1837713, MONDO:0012078, OMIM 608629.

Submission:

Myriad Genetics, Inc.
Classification: Pathogenic for Joubert syndrome 3. Last evaluated: 2025-10-11. Review status: criteria provided, single submitter. Criteria: Myriad Autosomal Dominant, Autosomal Recessive and X-Linked Classification Criteria (2023). Collection method: clinical testing. Allele origin: unknown.
Comment: NM_001134831.1(AHI1):c.1742C>A(S581*) is expected to be pathogenic in the context of Joubert syndrome, AHI1-related. This variant is predicted to lead to an abnormal or absent protein product due to the creation of a premature termination codon in AHI1, a gene where loss-of-function variants are known to be pathogenic. Please note: this variant was assessed in the context of healthy population screening.